The following is an entry in ClinVar:

ClinVar aggregate classification (germline): Uncertain significance. Review status: criteria provided, multiple submitters, no conflicts (2 of 4 stars). 2 submissions from 2 submitters: Uncertain significance (2). Last evaluated 2022-06-11.

Conditions:
Polycystic kidney disease, adult type (PKD1). Also called: POLYCYSTIC KIDNEY DISEASE, ADULT, TYPE I; Polycystic Kidney, Autosomal Dominant; POLYCYSTIC KIDNEY DISEASE 1 WITH OR WITHOUT POLYCYSTIC LIVER DISEASE; Polycystic Kidney Disease 1, Autosomal Dominant; Polycystic kidney disease 1; Polycystic kidney disease 1, severe. Identifiers: MedGen C3149841, MONDO:0008263, OMIM 173900.

Allele frequency attached by ClinVar (database versions not stated): gnomAD 0.00001; TOPMed 0.00001; ExAC 0.00002; gnomAD exomes 0.00002.
gnomAD v4.1: 30 of 1,610,424 alleles (0.0019%); highest among the groups gnomAD compares: Non-Finnish European, 0.0021%; no homozygotes.

Submissions (2):

GeneDx
Classification: Uncertain significance. Last evaluated: 2022-06-11. Review status: criteria provided, single submitter. Criteria: GeneDx Variant Classification Process June 2021. Collection method: clinical testing. Allele origin: germline. Affected: yes.
Comment: Not observed at a significant frequency in large population cohorts (gnomAD); In silico analysis supports that this missense variant does not alter protein structure/function; Has not been previously published as pathogenic or benign to our knowledge

Fulgent Genetics
Classification: Uncertain significance for Polycystic kidney disease, adult type. Last evaluated: 2022-01-10. Review status: criteria provided, single submitter. Criteria: ACMG Guidelines, 2015. Collection method: clinical testing. Allele origin: unknown.

NM_001009944.3(PKD1):c.6739G>A (p.Ala2247Thr)

Gene: PKD1 (polycystin 1, transient receptor potential channel interacting; minus strand). Cytogenetic location: 16p13.3.
Variant type: single nucleotide variant.
Coding change: c.6739G>A on transcript NM_001009944.3 (MANE Select); coding-DNA position 6739, G replaced by A.
Protein change: p.Ala2247Thr; replaces alanine 2247 with threonine.
Molecular consequence: missense variant.
Genome position (GRCh38, 1-based): chr16:2,108,428, C>T on the plus strand (G>A on the coding strand, the complement: PKD1 is on the minus strand). VCF-style: chr16-2108428-C-T. GRCh37 (hg19) VCF-style: chr16-2158429-C-T.
Other names: c.6739G>A, p.Ala2247Thr (NM_000296.4); short protein forms A2247T.
Identifiers: ClinVar variation 1691676 (VCV001691676.4), dbSNP rs749515571, ClinGen allele CA7831485.